The following is an entry in ClinVar:

ClinVar aggregate classification (germline): Pathogenic (1 of 4 stars; one submission).

gnomAD v4.1: 3 of 1,614,170 alleles (0.00019%); highest among the groups gnomAD compares: Non-Finnish European, 0.00025%; no homozygotes.

Submission:

Ambry Genetics
Classification: Pathogenic. Last evaluated: 2026-06-03. Review status: criteria provided, single submitter. Criteria: Ambry Variant Classification Scheme 2023. Collection method: clinical testing. Allele origin: germline.
Comment: The p.Q51* pathogenic mutation (also known as c.151C>T), located in coding exon 1 of the MLH3 gene, results from a C to T substitution at nucleotide position 151. This changes the amino acid from a glutamine to a stop codon within coding exon 1. This variant is considered to be rare based on population cohorts in the Genome Aggregation Database (gnomAD). This alteration is expected to result in loss of function by premature protein truncation or nonsense-mediated mRNA decay. As such, this alteration is interpreted as a disease-causing mutation.

NM_001040108.2(MLH3):c.151C>T (p.Gln51Ter)

Gene: MLH3 (mutL homolog 3; minus strand). Cytogenetic location: 14q24.3.
Variant type: single nucleotide variant.
Coding change: c.151C>T on transcript NM_001040108.2 (MANE Select); coding-DNA position 151, C replaced by T.
Protein change: p.Gln51Ter; replaces glutamine 51 with a stop codon.
Molecular consequence: nonsense.
Genome position (GRCh38, 1-based): chr14:75,049,505, G>A on the plus strand (C>T on the coding strand, the complement: MLH3 is on the minus strand). VCF-style: chr14-75049505-G-A. GRCh37 (hg19) VCF-style: chr14-75516208-G-A.
Other names: c.151C>T, p.Gln51Ter (NM_014381.3); short protein forms Q51*.
Identifiers: ClinVar variation 3873521 (VCV003873521.2).